The following is an entry in ClinVar:

NM_001282684.2(KCTD17):c.791G>A (p.Arg264His)

Gene: KCTD17 (potassium channel tetramerization domain containing 17; plus strand). Cytogenetic location: 22q12.3.
Variant type: single nucleotide variant.
Coding change: c.791G>A on transcript NM_001282684.2 (MANE Select); coding-DNA position 791, G replaced by A.
Protein change: p.Arg264His; replaces arginine 264 with histidine.
Molecular consequence: missense variant. On other transcripts: intron variant (1).
Genome position (GRCh38, 1-based): chr22:37,061,545, G>A. VCF-style: chr22-37061545-G-A. GRCh37 (hg19) VCF-style: chr22-37457585-G-A.
Other names: c.619G>A, p.Val207Ile (NM_001282685.2); c.719G>A, p.Arg240His (NM_024681.4); c.613-980G>A (NM_001282686.2); short protein forms R271H, R240H, R264H, V207I.
Identifiers: ClinVar variation 703874 (VCV000703874.18), dbSNP rs146127576, ClinGen allele CA10215156.

ClinVar aggregate classification (germline): Benign/Likely benign. Review status: criteria provided, multiple submitters, no conflicts (2 of 4 stars). 3 submissions from 3 submitters: Benign (1); Likely benign (2). Last evaluated 2026-01-19.

Conditions:
Myoclonic dystonia 26. Identifiers: MedGen C4225341, MONDO:0014620, OMIM 616398.

Allele frequency attached by ClinVar (database versions not stated): gnomAD exomes 0.00114; ExAC 0.00179; gnomAD 0.00412 and 0.00432; TOPMed 0.00444; ESP Exome Variant Server 0.00492; 1000 Genomes Project 30x 0.00515; 1000 Genomes Project 0.00519.
gnomAD v4.1: 1,663 of 1,601,402 alleles (0.1%); highest among the groups gnomAD compares: African/African-American, 1.4%; 16 homozygotes.

Submissions (3):

Labcorp Genetics (formerly Invitae), Labcorp
Classification: Benign for Myoclonic dystonia 26. Last evaluated: 2026-01-19. Review status: criteria provided, single submitter. Criteria: Invitae Variant Classification Sherloc (09022015). Collection method: clinical testing. Allele origin: germline.

GeneDx
Classification: Likely benign. Last evaluated: 2024-08-28. Review status: criteria provided, single submitter. Criteria: GeneDx Variant Classification Process June 2021. Collection method: clinical testing. Allele origin: germline. Affected: yes.
Comment: See Variant Classification Assertion Criteria.

Breakthrough Genomics
Classification: Likely benign. Review status: criteria provided, single submitter. Criteria: ACMG Guidelines, 2015. Collection method: not provided. Allele origin: germline. Inheritance: Autosomal dominant inheritance. Affected: yes.